The following is an entry in ClinVar:

NM_000492.4(CFTR):c.2818_2819del (p.Thr940fs)

Gene: CFTR (CF transmembrane conductance regulator; plus strand). Cytogenetic location: 7q31.2.
Variant type: Deletion.
Coding change: c.2818_2819del on transcript NM_000492.4 (MANE Select); coding-DNA positions 2818 to 2819, 2 bases deleted (AC; older notation c.2818_2819delAC).
Protein change: p.Thr940fs; shifts the reading frame from threonine 940.
Molecular consequence: frameshift variant.
Genome position (GRCh38, 1-based): chr7:117,603,692-117,603,693, AC deleted. VCF-style (leftmost placement, unchanged base first): chr7-117603691-TAC-T. GRCh37 (hg19) VCF-style: chr7-117243745-TAC-T.
Other names: c.2818_2819delAC (NM_000492.4); short protein forms T940fs.
Identifiers: ClinVar variation 3251356 (VCV003251356.1), dbSNP rs2485122178.

ClinVar aggregate classification (germline): Pathogenic (1 of 4 stars; one submission).

Conditions:
Cystic fibrosis (CF). Also called: MUCOVISCIDOSIS. Identifiers: Orphanet 586, MedGen C0010674, MONDO:0009061, OMIM 219700. Disease mechanism: loss of function.

Submission:

Women's Health and Genetics/Laboratory Corporation of America, LabCorp
Classification: Pathogenic for Cystic fibrosis. Last evaluated: 2024-04-11. Review status: criteria provided, single submitter. Criteria: LabCorp Variant Classification Summary - May 2015. Collection method: clinical testing. Allele origin: germline.
Comment: Variant summary: CFTR c.2818_2819delAC (p.Thr940SerfsX34) results in a premature termination codon, predicted to cause absence of the protein due to nonsense mediated decay, which is a commonly known mechanism for disease. The variant was absent in 251404 control chromosomes. c.2818_2819delAC has been reported in the literature in unspecified individual(s) affected with Cystic Fibrosis (Bulegenova_2022). These report(s) do not provide unequivocal conclusions about association of the variant with Cystic Fibrosis. To our knowledge, no experimental evidence demonstrating an impact on protein function has been reported. The following publication have been ascertained in the context of this evaluation (PMID: 35273129). No submitters have cited clinical-significance assessments for this variant to ClinVar. Based on the evidence outlined above, the variant was classified as pathogenic.

Literature cited by the submitters: PubMed 35273129.